The following is an entry in ClinVar:

NM_006767.4(LZTR1):c.201-15C>T

Gene: LZTR1 (leucine zipper like post translational regulator 1; plus strand). Cytogenetic location: 22q11.21.
Variant type: single nucleotide variant.
Coding change: c.201-15C>T on transcript NM_006767.4 (MANE Select); 15 bases into the intron before coding-DNA position 201, C replaced by T.
Molecular consequence: intron variant.
Genome position (GRCh38, 1-based): chr22:20,983,012, C>T. VCF-style: chr22-20983012-C-T. GRCh37 (hg19) VCF-style: chr22-21337301-C-T.
Other names: c.201-15C>T (NM_006767.3).
Identifiers: ClinVar variation 1914606 (VCV001914606.8), dbSNP rs2518608520, ClinGen allele CA2580099170.

ClinVar aggregate classification (germline): Likely benign. Review status: criteria provided, multiple submitters, no conflicts (2 of 4 stars). 2 submissions from 2 submitters: Likely benign (2). Last evaluated 2025-09-11.

Submissions (2):

Labcorp Genetics (formerly Invitae), Labcorp
Classification: Likely benign. Last evaluated: 2025-09-11. Review status: criteria provided, single submitter. Criteria: Invitae Variant Classification Sherloc (09022015). Collection method: clinical testing. Allele origin: germline.

Women's Health and Genetics/Laboratory Corporation of America, LabCorp
Classification: Likely benign. Last evaluated: 2023-11-09. Review status: criteria provided, single submitter. Criteria: LabCorp Variant Classification Summary - May 2015. Collection method: clinical testing. Allele origin: germline.
Comment: Variant summary: LZTR1 c.201-15C>T alters a nucleotide located at a position not widely known to affect splicing. Consensus agreement among computation tools predict no significant impact on normal splicing. However, these predictions have yet to be confirmed by functional studies. The variant was absent in 251436 control chromosomes (gnomAD). The available data on variant occurrences in the general population are insufficient to allow any conclusion about variant significance. To our knowledge, no occurrence of c.201-15C>T in individuals affected with Noonan Syndrome and no experimental evidence demonstrating its impact on protein function have been reported. One submitter has cited clinical-significance assessments for this variant to ClinVar after 2014 and has classified the variant as likely benign. Based on the evidence outlined above, the variant was classified as likely benign.